The following is an entry in ClinVar:

ClinVar aggregate classification (germline): Uncertain significance (1 of 4 stars; one submission).

Conditions:
Inborn genetic diseases. Identifiers: MedGen C0950123, MeSH D030342.

Allele frequency attached by ClinVar (database versions not stated): gnomAD exomes 0.00001; TOPMed 0.00001.
gnomAD v4.1: 16 of 1,612,806 alleles (0.00099%); highest among the groups gnomAD compares: Non-Finnish European, 0.0014%; no homozygotes.

Submission:

Ambry Genetics
Classification: Uncertain significance for Inborn genetic diseases. Last evaluated: 2025-12-02. Review status: criteria provided, single submitter. Criteria: Ambry Variant Classification Scheme 2023. Collection method: clinical testing. Allele origin: germline.
Comment: The c.673C>G (p.L225V) alteration is located in exon 6 (coding exon 5) of the HNRNPR gene. This alteration results from a C to G substitution at nucleotide position 673, causing the leucine (L) at amino acid position 225 to be replaced by a valine (V). Based on data from gnomAD, the G allele has an overall frequency of 0.003% (1/31408) total alleles studied. The highest observed frequency was 0.012% (1/8716) of African alleles. Based on insufficient or conflicting evidence, the clinical significance of this alteration remains unclear.

NM_005826.5(HNRNPR):c.673C>G (p.Leu225Val)

Gene: HNRNPR (heterogeneous nuclear ribonucleoprotein R; minus strand). Cytogenetic location: 1p36.12.
Variant type: single nucleotide variant.
Coding change: c.673C>G on transcript NM_005826.5 (MANE Select); coding-DNA position 673, C replaced by G.
Protein change: p.Leu225Val; replaces leucine 225 with valine.
Molecular consequence: missense variant. On other transcripts: intron variant (1).
Genome position (GRCh38, 1-based): chr1:23,323,558, G>C on the plus strand (C>G on the coding strand, the complement: HNRNPR is on the minus strand). VCF-style: chr1-23323558-G-C. GRCh37 (hg19) VCF-style: chr1-23650051-G-C.
Other names: c.370C>G, p.Leu124Val (NM_001102397.3, NM_001102399.3); c.673C>G, p.Leu225Val (NM_001102398.3); c.559C>G, p.Leu187Val (NM_001297620.2); c.256C>G, p.Leu86Val (NM_001297622.2); c.196-1895C>G (NM_001297621.2); short protein forms L187V, L86V, L225V, L124V.
Identifiers: ClinVar variation 2397404 (VCV002397404.3), dbSNP rs1357424654, ClinGen allele CA339260988.